The following is an entry in ClinVar:

ClinVar aggregate classification (germline): Uncertain significance (1 of 4 stars; one submission).

Conditions:
Renal hypodysplasia/aplasia 3 (RHDA3). Identifiers: MedGen C4540497, MONDO:0024520, OMIM 617805.

gnomAD v4.1: 2 of 1,551,522 alleles (0.00013%); highest among the groups gnomAD compares: African/African-American, 0.0014%; no homozygotes.

Submission:

Neuberg Centre For Genomic Medicine, NCGM
Classification: Uncertain significance for Renal hypodysplasia/aplasia 3. Review status: criteria provided, single submitter. Criteria: ACMG Guidelines, 2015. Collection method: clinical testing. Allele origin: germline. Inheritance: Autosomal dominant inheritance. Affected: yes.
Comment: The missense c.5236G>A (p.Gly1746Arg) variant in GREB1L gene has not been reported previously as a pathogenic variant nor as a benign variant, to our knowledge. The p.Gly1746Arg variant is absent in gnomAD Exomes. This variant has not been submitted to the ClinVar database. Multiple lines of computational evidence (Polyphen - Probably Damaging, SIFT - Damaging and MutationTaster - Disease causing) predict a damaging effect on protein structure and function for this variant. The reference amino acid at this position on GREB1L is predicted as conserved by GERP++ and PhyloP across 100 vertebrates. The amino acid Gly at position 1746 is changed to a Arg changing protein sequence and it might alter its composition and physico-chemical properties. For these reasons, this variant has been classified as a Variant of Uncertain Significance (VUS).

NM_001142966.3(GREB1L):c.5236G>A (p.Gly1746Arg)

Gene: GREB1L (GREB1 like retinoic acid receptor coactivator; plus strand). Cytogenetic location: 18q11.2.
Variant type: single nucleotide variant.
Coding change: c.5236G>A on transcript NM_001142966.3 (MANE Select); coding-DNA position 5236, G replaced by A.
Protein change: p.Gly1746Arg; replaces glycine 1746 with arginine.
Molecular consequence: missense variant.
Genome position (GRCh38, 1-based): chr18:21,516,719, G>A. VCF-style: chr18-21516719-G-A. GRCh37 (hg19) VCF-style: chr18-19096680-G-A.
Other names: c.5365G>A, p.Gly1789Arg (NM_001410867.1); c.4909G>A, p.Gly1637Arg (NM_001410868.1); short protein forms G1637R, G1746R, G1789R.
Identifiers: ClinVar variation 3731436 (VCV003731436.1).